The following is an entry in ClinVar:

NM_207034.3(EDN3):c.177_200del (p.Gly60_Ala67del)

Gene: EDN3 (endothelin 3; plus strand). Cytogenetic location: 20q13.32.
Variant type: Deletion.
Coding change: c.177_200del on transcript NM_207034.3 (MANE Select); coding-DNA positions 177 to 200, 24 bases deleted (TGGCCCTGGCGAGGGGACTGTGGC).
Protein change: p.Gly60_Ala67del.
Molecular consequence: inframe deletion.
Genome position (GRCh38, 1-based): chr20:59,301,534-59,301,557, TGGCCCTGGCGAGGGGACTGTGGC deleted; deleting any 24 consecutive bases within chr20:59,301,525-59,301,557 gives the same sequence; the c. name uses the placement nearest the transcript's 3' end. VCF-style (leftmost placement, unchanged base first): chr20-59301524-AGACTGTGGCTGGCCCTGGCGAGGG-A. GRCh37 (hg19) VCF-style: chr20-57876579-AGACTGTGGCTGGCCCTGGCGAGGG-A.
Other names: c.177_200del, p.Gly60_Ala67del (NM_001302455.2, NM_001302456.2, NM_207032.3 and 1 more transcripts).
Identifiers: ClinVar variation 1407409 (VCV001407409.8), dbSNP rs779143502, ClinGen allele CA9930285.

ClinVar aggregate classification (germline): Uncertain significance (1 of 4 stars; one submission).

Submission:

Labcorp Genetics (formerly Invitae), Labcorp
Classification: Uncertain significance. Last evaluated: 2022-01-14. Review status: criteria provided, single submitter. Criteria: Invitae Variant Classification Sherloc (09022015). Collection method: clinical testing. Allele origin: germline.
Comment: This variant, c.177_200del, results in the deletion of 8 amino acid(s) of the EDN3 protein (p.Gly60_Ala67del), but otherwise preserves the integrity of the reading frame. This variant is present in population databases (rs779143502, gnomAD 0.01%). This variant has not been reported in the literature in individuals affected with EDN3-related conditions. Experimental studies and prediction algorithms are not available or were not evaluated, and the functional significance of this variant is currently unknown. In summary, the available evidence is currently insufficient to determine the role of this variant in disease. Therefore, it has been classified as a Variant of Uncertain Significance.